The following is an entry in ClinVar:

ClinVar aggregate classification (germline): Benign/Likely benign. Review status: criteria provided, multiple submitters, no conflicts (2 of 4 stars). 2 submissions from 2 submitters: Benign (1); Likely benign (1). Last evaluated 2022-10-01.

Allele frequency attached by ClinVar (database versions not stated): 1000 Genomes Project 0.00379; gnomAD 0.00391 and 0.00407; TOPMed 0.00401; 1000 Genomes Project 30x 0.00422.
gnomAD v4.1: 1,352 of 1,437,500 alleles (0.094%); highest among the groups gnomAD compares: African/African-American, 1.4%; 9 homozygotes.

Submissions (2):

CeGaT Center for Human Genetics Tuebingen
Classification: Benign. Last evaluated: 2022-10-01. Review status: criteria provided, single submitter. Criteria: CeGaT Center For Human Genetics Tuebingen Variant Classification Criteria Version 2. Collection method: clinical testing. Allele origin: germline. Affected: yes. Observed: 2 variant alleles.
Comment: CHRNA2: BS1, BS2

GeneDx
Classification: Likely benign. Last evaluated: 2018-07-15. Review status: criteria provided, single submitter. Criteria: GeneDx Variant Classification Process June 2021. Collection method: clinical testing. Allele origin: germline. Affected: yes.

NM_000742.4(CHRNA2):c.294+100C>T

Gene: CHRNA2 (cholinergic receptor nicotinic alpha 2 subunit; minus strand). Cytogenetic location: 8p21.2.
Variant type: single nucleotide variant.
Coding change: c.294+100C>T on transcript NM_000742.4 (MANE Select); 100 bases into the intron after coding-DNA position 294, C replaced by T.
Molecular consequence: intron variant.
Genome position (GRCh38, 1-based): chr8:27,469,661, G>A on the plus strand (C>T on the coding strand, the complement: CHRNA2 is on the minus strand). VCF-style: chr8-27469661-G-A. GRCh37 (hg19) VCF-style: chr8-27327178-G-A.
Other names: c.-179+145C>T (NM_001347705.2); c.249+145C>T (NM_001282455.2); c.-168+100C>T (NM_001347708.2); c.-179+100C>T (NM_001347706.2); c.-165+145C>T (NM_001347707.2).
Identifiers: ClinVar variation 1189495 (VCV001189495.26), dbSNP rs116459673, ClinGen allele CA174247186.